The following is an entry in ClinVar:

ClinVar aggregate classification (germline): Uncertain significance. Review status: criteria provided, multiple submitters, no conflicts (2 of 4 stars). 2 submissions from 2 submitters: Uncertain significance (2). Last evaluated 2025-05-23.

Conditions:
Cardiovascular phenotype. Identifiers: MedGen CN230736.
RASopathy. Also called: rasopathies; Noonan spectrum disorder. Identifiers: Orphanet 536391, MedGen C5555857, MONDO:0021060.

Submissions (2):

Labcorp Genetics (formerly Invitae), Labcorp
Classification: Uncertain significance for RASopathy. Last evaluated: 2025-05-23. Review status: criteria provided, single submitter. Criteria: Invitae Variant Classification Sherloc (09022015). Collection method: clinical testing. Allele origin: germline.
Comment: This sequence change replaces proline, which is neutral and non-polar, with arginine, which is basic and polar, at codon 688 of the CBL protein (p.Pro688Arg). This variant is not present in population databases (gnomAD no frequency). This variant has not been reported in the literature in individuals affected with CBL-related conditions. ClinVar contains an entry for this variant (Variation ID: 2841387). Invitae Evidence Modeling of protein sequence and biophysical properties (such as structural, functional, and spatial information, amino acid conservation, physicochemical variation, residue mobility, and thermodynamic stability) indicates that this missense variant is not expected to disrupt CBL protein function with a negative predictive value of 95%. In summary, the available evidence is currently insufficient to determine the role of this variant in disease. Therefore, it has been classified as a Variant of Uncertain Significance.

Ambry Genetics
Classification: Uncertain significance for Cardiovascular phenotype. Last evaluated: 2025-01-06. Review status: criteria provided, single submitter. Criteria: Ambry Variant Classification Scheme 2023. Collection method: clinical testing. Allele origin: germline.
Comment: The p.P688R variant (also known as c.2063C>G), located in coding exon 13 of the CBL gene, results from a C to G substitution at nucleotide position 2063. The proline at codon 688 is replaced by arginine, an amino acid with dissimilar properties. This amino acid position is conserved. In addition, this alteration is predicted to be tolerated by in silico analysis. Based on the available evidence, the clinical significance of this variant remains unclear.

NM_005188.4(CBL):c.2063C>G (p.Pro688Arg)

Gene: CBL (Cbl proto-oncogene; plus strand). Cytogenetic location: 11q23.3.
Variant type: single nucleotide variant.
Coding change: c.2063C>G on transcript NM_005188.4 (MANE Select); coding-DNA position 2063, C replaced by G.
Protein change: p.Pro688Arg; replaces proline 688 with arginine.
Molecular consequence: missense variant.
Genome position (GRCh38, 1-based): chr11:119,296,944, C>G. VCF-style: chr11-119296944-C-G. GRCh37 (hg19) VCF-style: chr11-119167654-C-G.
Other names: c.2063C>G (NM_005188.2); short protein forms P688R.
Identifiers: ClinVar variation 2841387 (VCV002841387.4), dbSNP rs2496970999, ClinGen allele CA382926591.